The following is an entry in ClinVar:

NM_181523.3(PIK3R1):c.746A>G (p.Lys249Arg)

Gene: PIK3R1 (phosphoinositide-3-kinase regulatory subunit 1; plus strand). Cytogenetic location: 5q13.1.
Variant type: single nucleotide variant.
Coding change: c.746A>G on transcript NM_181523.3 (MANE Select); coding-DNA position 746, A replaced by G.
Protein change: p.Lys249Arg; replaces lysine 249 with arginine.
Molecular consequence: missense variant.
Genome position (GRCh38, 1-based): chr5:68,280,639, A>G. VCF-style: chr5-68280639-A-G. GRCh37 (hg19) VCF-style: chr5-67576467-A-G.
Other names: short protein forms K249R.
Identifiers: ClinVar variation 2303792 (VCV002303792.5), dbSNP rs1746795661, ClinGen allele CA359875404.

ClinVar aggregate classification (germline): Uncertain significance. Review status: criteria provided, multiple submitters, no conflicts (2 of 4 stars). 2 submissions from 2 submitters: Uncertain significance (2). Last evaluated 2023-11-07.

Conditions:
Immunodeficiency 36 with lymphoproliferation. Also called: Immunodeficiency 36; ACTIVATED PI3K-DELTA SYNDROME 2; Activated PI3K Delta Syndrome Type 2 (APDS2). Identifiers: Orphanet 397596, Orphanet 693681, MedGen C4014934, MONDO:0014453, OMIM 616005.
SHORT syndrome. Also called: SHORT STATURE, HYPEREXTENSIBILITY, HERNIA, OCULAR DEPRESSION, RIEGER ANOMALY, AND TEETHING DELAY; LIPODYSTROPHY, PARTIAL, WITH RIEGER ANOMALY AND SHORT STATURE; PIK3R1-Related SHORT Syndrome. Identifiers: Orphanet 3163, MedGen C0878684, MONDO:0010026, OMIM 269880.
Agammaglobulinemia 7, autosomal recessive (AGM7). Also called: AGAMMAGLOBULINEMIA, AUTOSOMAL RECESSIVE, DUE TO PIK3R1 DEFECT. Identifiers: MedGen C3554689, MONDO:0014083, OMIM 615214.
Inborn genetic diseases. Identifiers: MedGen C0950123, MeSH D030342.

Allele frequency attached by ClinVar (database versions not stated): gnomAD exomes below 0.00001; gnomAD 0.00001.
gnomAD v4.1: 5 of 1,613,952 alleles (0.00031%); highest among the groups gnomAD compares: South Asian, 0.0044%; no homozygotes.

Submissions (2):

Labcorp Genetics (formerly Invitae), Labcorp
Classification: Uncertain significance for SHORT syndrome; Immunodeficiency 36 with lymphoproliferation; Agammaglobulinemia 7, autosomal recessive. Last evaluated: 2023-11-07. Review status: criteria provided, single submitter. Criteria: Invitae Variant Classification Sherloc (09022015). Collection method: clinical testing. Allele origin: germline.
Comment: This sequence change replaces lysine, which is basic and polar, with arginine, which is basic and polar, at codon 249 of the PIK3R1 protein (p.Lys249Arg). This variant is not present in population databases (gnomAD no frequency). This variant has not been reported in the literature in individuals affected with PIK3R1-related conditions. ClinVar contains an entry for this variant (Variation ID: 2303792). Algorithms developed to predict the effect of missense changes on protein structure and function output the following: SIFT: "Not Available"; PolyPhen-2: "Benign"; Align-GVGD: "Not Available". The arginine amino acid residue is found in multiple mammalian species, which suggests that this missense change does not adversely affect protein function. In summary, the available evidence is currently insufficient to determine the role of this variant in disease. Therefore, it has been classified as a Variant of Uncertain Significance.

Ambry Genetics
Classification: Uncertain significance for Inborn genetic diseases. Last evaluated: 2022-07-27. Review status: criteria provided, single submitter. Criteria: Ambry Variant Classification Scheme 2023. Collection method: clinical testing. Allele origin: germline.